The following is an entry in ClinVar:

NM_006265.3(RAD21):c.652G>A (p.Asp218Asn)

Gene: RAD21 (RAD21 cohesin complex component; minus strand). Cytogenetic location: 8q24.11.
Variant type: single nucleotide variant.
Coding change: c.652G>A on transcript NM_006265.3 (MANE Select); coding-DNA position 652, G replaced by A.
Protein change: p.Asp218Asn; replaces aspartic acid 218 with asparagine.
Molecular consequence: missense variant.
Genome position (GRCh38, 1-based): chr8:116,857,303, C>T on the plus strand (G>A on the coding strand, the complement: RAD21 is on the minus strand). VCF-style: chr8-116857303-C-T. GRCh37 (hg19) VCF-style: chr8-117869542-C-T.
Other names: short protein forms D218N.
Identifiers: ClinVar variation 3899632 (VCV003899632.1).

ClinVar aggregate classification (germline): Uncertain significance (1 of 4 stars; one submission).

Submission:

GeneDx
Classification: Uncertain significance. Last evaluated: 2024-11-15. Review status: criteria provided, single submitter. Criteria: GeneDx Variant Classification Process June 2021. Collection method: clinical testing. Allele origin: germline. Affected: yes.
Comment: Not observed at significant frequency in large population cohorts (gnomAD); In silico analysis supports that this missense variant has a deleterious effect on protein structure/function; Has not been previously published as pathogenic or benign to our knowledge